The following is an entry in ClinVar:

ClinVar aggregate classification (germline): Uncertain significance. Review status: criteria provided, multiple submitters, no conflicts (2 of 4 stars). 2 submissions from 2 submitters: Uncertain significance (2). Last evaluated 2023-04-03.

Conditions:
Hyperkalemic periodic paralysis. Also called: Familial hyperkalemic periodic paralysis; Gamstorp disease. Identifiers: Orphanet 682, MedGen C0238357, MONDO:0008224, OMIM 170500, HP:0007215.

Allele frequency attached by ClinVar (database versions not stated): 1000 Genomes Project 0.00060; 1000 Genomes Project 30x 0.00109.
gnomAD v4.1: 16 of 1,613,288 alleles (0.00099%); highest among the groups gnomAD compares: East Asian, 0.031%; no homozygotes.

Submissions (2):

Labcorp Genetics (formerly Invitae), Labcorp
Classification: Uncertain significance for Hyperkalemic periodic paralysis. Last evaluated: 2023-04-03. Review status: criteria provided, single submitter. Criteria: Invitae Variant Classification Sherloc (09022015). Collection method: clinical testing. Allele origin: germline.
Comment: In summary, the available evidence is currently insufficient to determine the role of this variant in disease. Therefore, it has been classified as a Variant of Uncertain Significance. This sequence change replaces arginine, which is basic and polar, with leucine, which is neutral and non-polar, at codon 1013 of the SCN4A protein (p.Arg1013Leu). This variant is present in population databases (rs578232775, gnomAD 0.06%). This variant has not been reported in the literature in individuals affected with SCN4A-related conditions. Advanced modeling of protein sequence and biophysical properties (such as structural, functional, and spatial information, amino acid conservation, physicochemical variation, residue mobility, and thermodynamic stability) performed at Invitae indicates that this missense variant is not expected to disrupt SCN4A protein function. ClinVar contains an entry for this variant (Variation ID: 2046882).

Revvity Omics, Revvity
Classification: Uncertain significance. Last evaluated: 2023-01-31. Review status: criteria provided, single submitter. Criteria: ACMG Guidelines, 2015. Collection method: clinical testing. Allele origin: germline.

NM_000334.4(SCN4A):c.3038G>T (p.Arg1013Leu)

Genes: GH-LCR (growth hormone locus control region; plus strand), SCN4A (sodium voltage-gated channel alpha subunit 4; minus strand). Cytogenetic location: 17q23.3.
Variant type: single nucleotide variant.
Coding change: c.3038G>T on transcript NM_000334.4 (MANE Select); coding-DNA position 3038, G replaced by T.
Protein change: p.Arg1013Leu; replaces arginine 1013 with leucine.
Molecular consequence: missense variant.
Genome position (GRCh38, 1-based): chr17:63,948,717, C>A on the plus strand (G>T on the coding strand, the complement: SCN4A is on the minus strand). VCF-style: chr17-63948717-C-A. GRCh37 (hg19) VCF-style: chr17-62026077-C-A.
Other names: short protein forms R1013L.
Identifiers: ClinVar variation 2046882 (VCV002046882.7), dbSNP rs578232775, ClinGen allele CA8709405.